The following is an entry in ClinVar:

NM_001035.3(RYR2):c.12745A>T (p.Arg4249Trp)

Genes: RYR2 (ryanodine receptor 2; plus strand), LOC126806068 (BRD4-independent group 4 enhancer GRCh37_chr1:237947411-237948610; plus strand). Cytogenetic location: 1q43.
Variant type: single nucleotide variant.
Coding change: c.12745A>T on transcript NM_001035.3 (MANE Select); coding-DNA position 12745, A replaced by T.
Protein change: p.Arg4249Trp; replaces arginine 4249 with tryptophan.
Molecular consequence: missense variant.
Genome position (GRCh38, 1-based): chr1:237,784,457, A>T. VCF-style: chr1-237784457-A-T. GRCh37 (hg19) VCF-style: chr1-237947757-A-T.
Other names: short protein forms R4249W.
Identifiers: ClinVar variation 922838 (VCV000922838.16), dbSNP rs1695385129, ClinGen allele CA345414042.

ClinVar aggregate classification (germline): Uncertain significance. Review status: criteria provided, multiple submitters, no conflicts (2 of 4 stars). 2 submissions from 2 submitters: Uncertain significance (2). Last evaluated 2023-12-05.

Conditions:
Catecholaminergic polymorphic ventricular tachycardia 1. Also called: VENTRICULAR TACHYCARDIA, CATECHOLAMINERGIC POLYMORPHIC, 1, WITH OR WITHOUT ATRIAL DYSFUNCTION AND/OR DILATED CARDIOMYOPATHY; RYR2-Related Catecholaminergic Polymorphic Ventricular Tachycardia; VENTRICULAR TACHYCARDIA, STRESS-INDUCED POLYMORPHIC 1. Identifiers: Orphanet 3286, MedGen C1631597, MONDO:0011484, OMIM 604772.
Cardiomyopathy (CMYO). Also called: Cardiomyopathies. Identifiers: Orphanet 167848, MedGen C0878544, MONDO:0004994, HP:0001638. Inheritance: Various modes of inheritance.

Allele frequency attached by ClinVar (database versions not stated): gnomAD exomes below 0.00001.
gnomAD v4.1: 4 of 1,613,744 alleles (0.00025%); highest among the groups gnomAD compares: Non-Finnish European, 0.00034%; no homozygotes.

Submissions (2):

Color Diagnostics, LLC DBA Color Health
Classification: Uncertain significance for Cardiomyopathy. Last evaluated: 2023-12-05. Review status: criteria provided, single submitter. Criteria: ACMG Guidelines, 2015. Collection method: clinical testing. Allele origin: germline.
Comment: This missense variant replaces arginine with tryptophan at codon 4249 of the RYR2 protein. Computational prediction tools and conservation analyses suggest that this variant may have deleterious impact on protein function. Computational splicing tools suggest that this variant may not impact RNA splicing. To our knowledge, functional assays have not been performed for this variant nor has this variant been reported in individuals affected with cardiovascular disorders in the literature. This variant has not been identified in the general population by the Genome Aggregation Database (gnomAD). Available evidence is insufficient to determine the role of this variant in disease conclusively. Therefore, this variant is classified as a Variant of Uncertain Significance.

Labcorp Genetics (formerly Invitae), Labcorp
Classification: Uncertain significance for Catecholaminergic polymorphic ventricular tachycardia 1. Last evaluated: 2020-04-18. Review status: criteria provided, single submitter. Criteria: Invitae Variant Classification Sherloc (09022015). Collection method: clinical testing. Allele origin: germline.
Comment: In summary, the available evidence is currently insufficient to determine the role of this variant in disease. Therefore, it has been classified as a Variant of Uncertain Significance. Algorithms developed to predict the effect of missense changes on protein structure and function are either unavailable or do not agree on the potential impact of this missense change (SIFT: "Deleterious"; PolyPhen-2: "Benign"; Align-GVGD: "Class C35"). This variant has not been reported in the literature in individuals with RYR2-related conditions. This variant is not present in population databases (ExAC no frequency). This sequence change replaces arginine with tryptophan at codon 4249 of the RYR2 protein (p.Arg4249Trp). The arginine residue is highly conserved and there is a moderate physicochemical difference between arginine and tryptophan.